The following is an entry in ClinVar:

NM_000393.5(COL5A2):c.2338-6T>C

Gene: COL5A2 (collagen type V alpha 2 chain; minus strand). Cytogenetic location: 2q32.2.
Variant type: single nucleotide variant.
Coding change: c.2338-6T>C on transcript NM_000393.5 (MANE Select); 6 bases into the intron before coding-DNA position 2338, T replaced by C.
Molecular consequence: intron variant.
Genome position (GRCh38, 1-based): chr2:189,057,032, A>G on the plus strand (T>C on the coding strand, the complement: COL5A2 is on the minus strand). VCF-style: chr2-189057032-A-G. GRCh37 (hg19) VCF-style: chr2-189921758-A-G.
Other names: p.?; c.2338-6T>C (NM_000393.4).
Identifiers: ClinVar variation 213078 (VCV000213078.51), dbSNP rs375291199, ClinGen allele CA324727.
Genomic context (GRCh38, chr2:189,057,032, plus strand): 5'-CTCTTGCACCATCATTTCCAGCTGTGCCTTCAGCACCTTTTTCTCCTATGCCACCCTGGG[A>G]AAACACACAAAATACAATTGATTCATTTAATTGTCTCTTTCCCACACTTGTGTGTAAGTT-3'

ClinVar aggregate classification (germline): Benign/Likely benign. Review status: criteria provided, multiple submitters, no conflicts (2 of 4 stars). 9 submissions from 9 submitters: Benign (2); Likely benign (4). 3 of the submissions do not count toward it. Last evaluated 2026-01-26.

Conditions:
COL5A2-related disorder. Also called: COL5A2-related condition.
Ehlers-Danlos syndrome, classic type, 1 (EDSCL1). Also called: EHLERS-DANLOS SYNDROME, GRAVIS TYPE; EHLERS-DANLOS SYNDROME, SEVERE CLASSIC TYPE; Ehlers-Danlos syndrome, type 1; Ehlers-Danlos Syndrome, Classic Type, COL5A1-Related; EDS I. Identifiers: MedGen C0268335, MONDO:0019567, OMIM 130000.

Allele frequency attached by ClinVar (database versions not stated): ESP Exome Variant Server 0.00015; gnomAD exomes 0.00015 and 0.00027; ExAC 0.00016; gnomAD 0.00019 and 0.00020; TOPMed 0.00020.
gnomAD v4.1: 411 of 1,613,124 alleles (0.025%); highest among the groups gnomAD compares: Non-Finnish European, 0.034%; no homozygotes.

Submissions (9):

Labcorp Genetics (formerly Invitae), Labcorp
Classification: Likely benign for Ehlers-Danlos syndrome, classic type, 1. Last evaluated: 2026-01-26. Review status: criteria provided, single submitter. Criteria: Invitae Variant Classification Sherloc (09022015). Collection method: clinical testing. Allele origin: germline.

Mayo Clinic Laboratories, Mayo Clinic
Classification: Likely benign. Last evaluated: 2025-05-19. Review status: criteria provided, single submitter. Criteria: ACMG Guidelines, 2015. Collection method: clinical testing. Allele origin: germline. Observed: 1 variant allele.
Comment: BS1, BP4, BP7

Women's Health and Genetics/Laboratory Corporation of America, LabCorp
Classification: Benign. Last evaluated: 2025-02-04. Review status: criteria provided, single submitter. Criteria: LabCorp Variant Classification Summary - May 2015. Collection method: clinical testing. Allele origin: germline.
Comment: Variant summary: COL5A2 c.2338-6T>C alters a conserved nucleotide located close to a canonical splice site and therefore could affect mRNA splicing, leading to a significantly altered protein sequence. Consensus agreement among computation tools predict no significant impact on normal splicing. However, these predictions have yet to be confirmed by functional studies. The variant allele was found at a frequency of 0.00015 in 251328 control chromosomes. The observed variant frequency is approximately 5 fold of the estimated maximal expected allele frequency for a pathogenic variant in COL5A2 causing Ehlers-Danlos syndrome, classic type, 2 phenotype (3.1e-05). To our knowledge, no occurrence of c.2338-6T>C in individuals affected with Ehlers-Danlos syndrome, classic type, 2 and no experimental evidence demonstrating its impact on protein function have been reported. ClinVar contains an entry for this variant (Variation ID: 213078). Based on the evidence outlined above, the variant was classified as benign.

Blueprint Genetics
Classification: Likely benign. Last evaluated: 2024-02-06. Review status: criteria provided, single submitter. Criteria: ACMG Guidelines, 2015. Collection method: clinical testing. Allele origin: germline.

CeGaT Center for Human Genetics Tuebingen
Classification: Likely benign. Last evaluated: 2021-10-01. Review status: criteria provided, single submitter. Criteria: CeGaT Center For Human Genetics Tuebingen Variant Classification Criteria Version 2. Collection method: clinical testing. Allele origin: germline. Affected: yes. Observed: 1 variant allele.

GeneDx
Classification: Benign. Last evaluated: 2015-01-05. Review status: criteria provided, single submitter. Criteria: GeneDx Variant Classification (06012015). Collection method: clinical testing. Allele origin: germline. Affected: yes.
Comment: This variant is considered likely benign or benign based on one or more of the following criteria: it is a conservative change, it occurs at a poorly conserved position in the protein, it is predicted to be benign by multiple in silico algorithms, and/or has population frequency not consistent with disease.

PreventionGenetics, part of Exact Sciences
Classification: Likely benign for COL5A2-related condition. Last evaluated: 2023-10-18. Review status: no assertion criteria provided. Collection method: clinical testing. Allele origin: germline. Not counted in ClinVar's aggregate classification.
Comment: This variant is classified as likely benign based on ACMG/AMP sequence variant interpretation guidelines (Richards et al. 2015 PMID: 25741868, with internal and published modifications).

Clinical Genetics DNA and cytogenetics Diagnostics Lab, Erasmus MC, Erasmus Medical Center
Classification: Likely benign. Review status: no assertion criteria provided. Collection method: clinical testing. Allele origin: germline. Affected: yes. Study: VKGL Data-share Consensus. Not counted in ClinVar's aggregate classification.

Genome Diagnostics Laboratory, University Medical Center Utrecht
Classification: Likely benign. Review status: no assertion criteria provided. Collection method: clinical testing. Allele origin: germline. Affected: yes. Study: VKGL Data-share Consensus. Not counted in ClinVar's aggregate classification.